The following is an entry in ClinVar:

NM_000069.3(CACNA1S):c.897C>T (p.Tyr299=)

Gene: CACNA1S (calcium voltage-gated channel subunit alpha1 S; minus strand). Cytogenetic location: 1q32.1.
Variant type: single nucleotide variant.
Coding change: c.897C>T on transcript NM_000069.3 (MANE Select); coding-DNA position 897, C replaced by T.
Protein change: p.Tyr299=; no amino-acid change (tyrosine 299 retained).
Molecular consequence: synonymous variant.
Genome position (GRCh38, 1-based): chr1:201,089,261, G>A on the plus strand (C>T on the coding strand, the complement: CACNA1S is on the minus strand). VCF-style: chr1-201089261-G-A. GRCh37 (hg19) VCF-style: chr1-201058389-G-A.
Identifiers: ClinVar variation 3072890 (VCV003072890.2), dbSNP rs1572059904, ClinGen allele CA422693898.
Genomic context (GRCh38, chr1:201,089,261, plus strand): 5'-CCCTTGCAAGCCTGTGGATGAAGGGAGATGGTTCTGCAGGCGCGGGCCCAGACCCACCCA[G>A]TAAAGGACGTCAGTCCATCCCTCCATGGTAATGCACTGGTACACGGTGAGCATGGAGAAG-3'
Protein context (NP_000060.2, residues 289-309): ITMEGWTDVL[Tyr299=]WVNDAIGNEW

ClinVar aggregate classification (germline): Uncertain significance. Review status: criteria provided, multiple submitters, no conflicts (2 of 4 stars). 2 submissions from 2 submitters: Uncertain significance (2). Last evaluated 2023-08-15.

Conditions:
Malignant hyperthermia, susceptibility to, 5 (MHS5). Also called: CACNA1S-Related Malignant Hyperthermia Susceptibility. Identifiers: Orphanet 423, MedGen C1866077, MONDO:0011163, OMIM 601887.

Submissions (2):

All of Us Research Program, National Institutes of Health
Classification: Uncertain significance for Malignant hyperthermia, susceptibility to, 5. Last evaluated: 2023-08-15. Review status: criteria provided, single submitter. Criteria: ACMG Guidelines, 2015. Collection method: clinical testing. Allele origin: germline. Inheritance: Autosomal dominant inheritance. Observed: 1 variant allele, 1 heterozygote.
Comment: This variant is located in the CACNA1S protein. To our knowledge, functional studies have not been reported for this variant. This variant has not been reported in individuals affected with CACNA1S-related disorders in the literature. This variant has not been identified in the general population by the Genome Aggregation Database (gnomAD). The available evidence is insufficient to determine the role of this variant in disease conclusively. Therefore, this variant is classified as a Variant of Uncertain Significance.

This study involves interpretation of variants in research participants for the purpose of population health screening. Participant phenotype was not available at the time of variant classification. Additional details can be found in publication PMID: 35346344, PMCID: PMC8962531

Color Diagnostics, LLC DBA Color Health
Classification: Uncertain significance for Malignant hyperthermia, susceptibility to, 5. Last evaluated: 2023-07-26. Review status: criteria provided, single submitter. Criteria: ACMG Guidelines, 2015. Collection method: clinical testing. Allele origin: germline.
Comment: This variant is located in the CACNA1S protein. To our knowledge, functional studies have not been reported for this variant. This variant has not been reported in individuals affected with CACNA1S-related disorders in the literature. This variant has not been identified in the general population by the Genome Aggregation Database (gnomAD). The available evidence is insufficient to determine the role of this variant in disease conclusively. Therefore, this variant is classified as a Variant of Uncertain Significance.